The following is an entry in ClinVar:

ClinVar aggregate classification (germline): Uncertain significance (1 of 4 stars; one submission).

Submission:

GeneDx
Classification: Uncertain significance. Last evaluated: 2021-05-12. Review status: criteria provided, single submitter. Criteria: GeneDx Variant Classification Process June 2021. Collection method: clinical testing. Allele origin: germline. Affected: yes.
Comment: Has not been previously published as pathogenic or benign to our knowledge; Not observed at significant frequency in large population cohorts (Lek et al., 2016); In silico analysis supports that this missense variant has a deleterious effect on protein structure/function

NM_003482.4(KMT2D):c.14093A>T (p.Asp4698Val)

Gene: KMT2D (lysine methyltransferase 2D; minus strand). Cytogenetic location: 12q13.12.
Variant type: single nucleotide variant.
Coding change: c.14093A>T on transcript NM_003482.4 (MANE Select); coding-DNA position 14093, A replaced by T.
Protein change: p.Asp4698Val; replaces aspartic acid 4698 with valine.
Molecular consequence: missense variant.
Genome position (GRCh38, 1-based): chr12:49,029,219, T>A on the plus strand (A>T on the coding strand, the complement: KMT2D is on the minus strand). VCF-style: chr12-49029219-T-A. GRCh37 (hg19) VCF-style: chr12-49423002-T-A.
Other names: short protein forms D4698V.
Identifiers: ClinVar variation 1321576 (VCV001321576.2), dbSNP rs2120394338, ClinGen allele CA384697811.
Genomic context (GRCh38, chr12:49,029,219, plus strand): 5'-TCCTCCCCCAAGATGCTCTCAGGGGATGAAGCTGGCACAATGCTGTCAGGAGAATCGCTA[T>A]CCTCATCACTCTCCATCCTGGGGACCAAAAGTAGACATTTGTTGCTACAGCCCTGCAGAC-3'
Protein context (NP_003473.3, residues 4688-4708): TEDVRMESDE[Asp4698Val]SDSPDSIVPA